The following is an entry in ClinVar:

ClinVar aggregate classification (germline): Likely pathogenic (1 of 4 stars; one submission).

Submission:

Labcorp Genetics (formerly Invitae), Labcorp
Classification: Likely pathogenic. Last evaluated: 2023-01-24. Review status: criteria provided, single submitter. Criteria: Invitae Variant Classification Sherloc (09022015). Collection method: clinical testing. Allele origin: germline.
Comment: In summary, the currently available evidence indicates that the variant is pathogenic, but additional data are needed to prove that conclusively. Therefore, this variant has been classified as Likely Pathogenic. Algorithms developed to predict the effect of sequence changes on RNA splicing suggest that this variant may disrupt the consensus splice site. This variant has not been reported in the literature in individuals affected with POLE-related conditions. This variant is not present in population databases (gnomAD no frequency). This sequence change affects an acceptor splice site in intron 47 of the POLE gene. It is expected to disrupt RNA splicing. Variants that disrupt the donor or acceptor splice site typically lead to a loss of protein function (PMID: 16199547), and loss-of-function variants in POLE are known to be pathogenic (PMID: 23230001, 25948378, 30503519).

Literature cited by the submitters: PubMed 16199547; PubMed 23230001; PubMed 25948378; PubMed 30503519.

NM_006231.4(POLE):c.6658-1G>C

Gene: POLE (DNA polymerase epsilon, catalytic subunit; minus strand). Cytogenetic location: 12q24.33.
Variant type: single nucleotide variant.
Coding change: c.6658-1G>C on transcript NM_006231.4 (MANE Select); the canonical splice acceptor site of the intron before coding-DNA position 6658, G replaced by C.
Molecular consequence: splice acceptor variant.
Genome position (GRCh38, 1-based): chr12:132,624,995, C>G on the plus strand (G>C on the coding strand, the complement: POLE is on the minus strand). VCF-style: chr12-132624995-C-G. GRCh37 (hg19) VCF-style: chr12-133201581-C-G.
Identifiers: ClinVar variation 2831501 (VCV002831501.3), dbSNP rs1555300846, ClinGen allele CA387366298.